The following is an entry in ClinVar:

ClinVar aggregate classification (germline): Likely benign. Review status: criteria provided, multiple submitters, no conflicts (2 of 4 stars). 3 submissions from 3 submitters: Likely benign (3). Last evaluated 2026-07-01.

Allele frequency attached by ClinVar (database versions not stated): 1000 Genomes Project 0.00140; 1000 Genomes Project 30x 0.00156; gnomAD 0.00509 and 0.00522; gnomAD exomes 0.00514 and 0.00706; TOPMed 0.00521; ExAC 0.00554; ESP Exome Variant Server 0.00677.
gnomAD v4.1: 11,025 of 1,614,088 alleles (0.68%); highest among the groups gnomAD compares: Non-Finnish European, 0.86%; 52 homozygotes.

Submissions (3):

CeGaT Center for Human Genetics Tuebingen
Classification: Likely benign. Last evaluated: 2026-07-01. Review status: criteria provided, single submitter. Criteria: CeGaT Center For Human Genetics Tuebingen Variant Classification Criteria Version 2. Collection method: clinical testing. Allele origin: germline. Affected: yes. Observed: 14 variant alleles.
Comment: MLXIPL: BP4, BS2

Labcorp Genetics (formerly Invitae), Labcorp
Classification: Likely benign. Last evaluated: 2019-12-31. Review status: criteria provided, single submitter. Criteria: Invitae Variant Classification Sherloc (09022015). Collection method: clinical testing. Allele origin: germline.

Breakthrough Genomics
Classification: Likely benign. Review status: criteria provided, single submitter. Criteria: ACMG Guidelines, 2015. Collection method: not provided. Allele origin: germline. Inheritance: Unknown mechanism. Affected: yes.

NM_032951.3(MLXIPL):c.2521C>T (p.Arg841Trp)

Gene: MLXIPL (MLX interacting protein like; minus strand). Cytogenetic location: 7q11.23.
Variant type: single nucleotide variant.
Coding change: c.2521C>T on transcript NM_032951.3 (MANE Select); coding-DNA position 2521, C replaced by T.
Protein change: p.Arg841Trp; replaces arginine 841 with tryptophan.
Molecular consequence: missense variant. On other transcripts: non-coding transcript variant (1).
Genome position (GRCh38, 1-based): chr7:73,593,903, G>A on the plus strand (C>T on the coding strand, the complement: MLXIPL is on the minus strand). VCF-style: chr7-73593903-G-A. GRCh37 (hg19) VCF-style: chr7-73008233-G-A.
Other names: c.2464C>T, p.Arg822Trp (NM_032952.3); c.2515C>T, p.Arg839Trp (NM_032953.3); c.2458C>T, p.Arg820Trp (NM_032954.3); short protein forms R841W, R839W, R820W, R822W.
Identifiers: ClinVar variation 774189 (VCV000774189.39), dbSNP rs66489924, ClinGen allele CA4288860.
Genomic context (GRCh38, chr7:73,593,903, plus strand): 5'-GAGCAGCAGGGTCTGGCCAGGACTATAAAGGTTTGCCAAGGGTGCCCTCTGTGACTGCCC[G>A]TGTGGCTTGCTCAGGGATGCGGCCCGGGTCGGTCAGGATACTGGTAGATGTGCCCAGCTG-3'
Protein context (NP_116569.1, residues 831-851): DPGRIPEQAT[Arg841Trp]AVTEGTLGKP